The following is an entry in ClinVar:

ClinVar aggregate classification (germline): Pathogenic/Likely pathogenic. Review status: criteria provided, multiple submitters, no conflicts (2 of 4 stars). 3 submissions from 3 submitters: Pathogenic (1); Likely pathogenic (2). Last evaluated 2023-04-11.

Conditions:
Rare genetic deafness. Identifiers: Orphanet 96210, MedGen C5680250.
Usher syndrome type 2A. Also called: RETINAL DISEASE IN USHER SYNDROME TYPE IIA, MODIFIER OF; USHER SYNDROME, TYPE IIA. Identifiers: Orphanet 231178, Orphanet 886, MedGen C1848634, MONDO:0010169, OMIM 276901.

Submissions (3):

Genome-Nilou Lab
Classification: Likely pathogenic for Usher syndrome type 2A. Last evaluated: 2023-04-11. Review status: criteria provided, single submitter. Criteria: ACMG Guidelines, 2015. Collection method: clinical testing. Allele origin: germline. Affected: no.

Labcorp Genetics (formerly Invitae), Labcorp
Classification: Pathogenic. Last evaluated: 2022-11-01. Review status: criteria provided, single submitter. Criteria: Invitae Variant Classification Sherloc (09022015). Collection method: clinical testing. Allele origin: germline.
Comment: For these reasons, this variant has been classified as Pathogenic. Algorithms developed to predict the effect of sequence changes on RNA splicing suggest that this variant may disrupt the consensus splice site. ClinVar contains an entry for this variant (Variation ID: 48394). Disruption of this splice site has been observed in individuals with retinitis pigmentosa or Usher syndrome (PMID: 28157192; Invitae). This variant is not present in population databases (gnomAD no frequency). This sequence change affects a donor splice site in intron 62 of the USH2A gene. It is expected to disrupt RNA splicing. Variants that disrupt the donor or acceptor splice site typically lead to a loss of protein function (PMID: 16199547), and loss-of-function variants in USH2A are known to be pathogenic (PMID: 10729113, 10909849, 20507924, 25649381).

Laboratory for Molecular Medicine, Mass General Brigham Personalized Medicine
Classification: Likely pathogenic for Rare genetic deafness. Last evaluated: 2010-02-02. Review status: criteria provided, single submitter. Criteria: LMM Criteria. Collection method: clinical testing. Allele origin: germline. Observed: 1 variant allele.

Literature cited by the submitters: PubMed 28157192 (cited by Labcorp Genetics (formerly Invitae), Labcorp); PubMed 16199547 (cited by Labcorp Genetics (formerly Invitae), Labcorp); PubMed 10729113 (cited by Labcorp Genetics (formerly Invitae), Labcorp); PubMed 10909849 (cited by Labcorp Genetics (formerly Invitae), Labcorp); PubMed 20507924 (cited by Labcorp Genetics (formerly Invitae), Labcorp); PubMed 25649381 (cited by Labcorp Genetics (formerly Invitae), Labcorp).

NM_206933.4(USH2A):c.12294+1G>C

Gene: USH2A (usherin; minus strand). Cytogenetic location: 1q41.
Variant type: single nucleotide variant.
Coding change: c.12294+1G>C on transcript NM_206933.4 (MANE Select); the canonical splice donor site of the intron after coding-DNA position 12294, G replaced by C.
Molecular consequence: splice donor variant.
Genome position (GRCh38, 1-based): chr1:215,680,148, C>G on the plus strand (G>C on the coding strand, the complement: USH2A is on the minus strand). VCF-style: chr1-215680148-C-G. GRCh37 (hg19) VCF-style: chr1-215853490-C-G.
Identifiers: ClinVar variation 48394 (VCV000048394.17), dbSNP rs111033526, ClinGen allele CA262077.
Genomic context (GRCh38, chr1:215,680,148, plus strand): 5'-AGGGCTCATCTATTTATCTGGAGAACACCAAACATAATTTCTTATGCAGGGTAGACATTA[C>G]CTTAATCACACCATTGGTTCTCATAGGTTCTGACCACTGTAGTAGCAATGCCCGGCCATT-3'